The following is an entry in ClinVar:

ClinVar aggregate classification (germline): Uncertain significance (1 of 4 stars; one submission).

Submission:

GeneDx
Classification: Uncertain significance. Last evaluated: 2026-05-18. Review status: criteria provided, single submitter. Criteria: GeneDx Variant Classification Process June 2021. Collection method: clinical testing. Allele origin: germline.
Comment: Not observed at significant frequency in large population cohorts (gnomAD); In silico analysis supports that this missense variant has a deleterious effect on protein structure/function; Has not been previously published as pathogenic or benign to our knowledge

NM_003036.4(SKI):c.829G>T (p.Asp277Tyr)

Gene: SKI (SKI proto-oncogene; plus strand). Cytogenetic location: 1p36.33.
Variant type: single nucleotide variant.
Coding change: c.829G>T on transcript NM_003036.4 (MANE Select); coding-DNA position 829, G replaced by T.
Protein change: p.Asp277Tyr; replaces aspartic acid 277 with tyrosine.
Molecular consequence: missense variant.
Genome position (GRCh38, 1-based): chr1:2,229,595, G>T. VCF-style: chr1-2229595-G-T. GRCh37 (hg19) VCF-style: chr1-2161034-G-T.
Other names: short protein forms D277Y.
Identifiers: ClinVar variation 4070764 (VCV004070764.2).